The following is an entry in ClinVar:

NM_033109.5(PNPT1):c.190G>A (p.Ala64Thr)

Gene: PNPT1 (polyribonucleotide nucleotidyltransferase 1; minus strand). Cytogenetic location: 2p16.1.
Variant type: single nucleotide variant.
Coding change: c.190G>A on transcript NM_033109.5 (MANE Select); coding-DNA position 190, G replaced by A.
Protein change: p.Ala64Thr; replaces alanine 64 with threonine.
Molecular consequence: missense variant.
Genome position (GRCh38, 1-based): chr2:55,687,677, C>T on the plus strand (G>A on the coding strand, the complement: PNPT1 is on the minus strand). VCF-style: chr2-55687677-C-T. GRCh37 (hg19) VCF-style: chr2-55914812-C-T.
Other names: short protein forms A64T.
Identifiers: ClinVar variation 1348582 (VCV001348582.6), dbSNP rs1025812729, ClinGen allele CA47666642.

ClinVar aggregate classification (germline): Uncertain significance (1 of 4 stars; one submission).

Submission:

Labcorp Genetics (formerly Invitae), Labcorp
Classification: Uncertain significance. Last evaluated: 2021-11-01. Review status: criteria provided, single submitter. Criteria: Invitae Variant Classification Sherloc (09022015). Collection method: clinical testing. Allele origin: germline.
Comment: Advanced modeling of protein sequence and biophysical properties (such as structural, functional, and spatial information, amino acid conservation, physicochemical variation, residue mobility, and thermodynamic stability) performed at Invitae indicates that this missense variant is expected to disrupt PNPT1 protein function. In summary, the available evidence is currently insufficient to determine the role of this variant in disease. Therefore, it has been classified as a Variant of Uncertain Significance. This variant has not been reported in the literature in individuals affected with PNPT1-related conditions. This sequence change replaces alanine, which is neutral and non-polar, with threonine, which is neutral and polar, at codon 64 of the PNPT1 protein (p.Ala64Thr). This variant is not present in population databases (gnomAD no frequency).